The following is an entry in ClinVar:

ClinVar aggregate classification (germline): Uncertain significance (1 of 4 stars; one submission).

Submission:

Labcorp Genetics (formerly Invitae), Labcorp
Classification: Uncertain significance. Last evaluated: 2025-07-16. Review status: criteria provided, single submitter. Criteria: Invitae Variant Classification Sherloc (09022015). Collection method: clinical testing. Allele origin: germline.
Comment: This sequence change replaces serine, which is neutral and polar, with threonine, which is neutral and polar, at codon 273 of the ZHX3 protein (p.Ser273Thr). This variant is not present in population databases (gnomAD no frequency). This variant has not been reported in the literature in individuals affected with ZHX3-related conditions. ClinVar contains an entry for this variant (Variation ID: 3614604). An algorithm developed to predict the effect of missense changes on protein structure and function (PolyPhen-2) suggests that this variant is likely to be tolerated. In summary, the available evidence is currently insufficient to determine the role of this variant in disease. Therefore, it has been classified as a Variant of Uncertain Significance.

NM_001384317.1(ZHX3):c.817T>A (p.Ser273Thr)

Gene: ZHX3 (zinc fingers and homeoboxes 3; minus strand). Cytogenetic location: 20q12.
Variant type: single nucleotide variant.
Coding change: c.817T>A on transcript NM_001384317.1 (MANE Select); coding-DNA position 817, T replaced by A.
Protein change: p.Ser273Thr; replaces serine 273 with threonine.
Molecular consequence: missense variant.
Genome position (GRCh38, 1-based): chr20:41,204,100, A>T on the plus strand (T>A on the coding strand, the complement: ZHX3 is on the minus strand). VCF-style: chr20-41204100-A-T. GRCh37 (hg19) VCF-style: chr20-39832740-A-T.
Other names: c.817T>A, p.Ser273Thr (NM_015035.4, NM_001384315.1, NM_001384316.1 and 8 more transcripts); short protein forms S273T.
Identifiers: ClinVar variation 3614604 (VCV003614604.2).
Genomic context (GRCh38, chr20:41,204,100, plus strand): 5'-CCGTGGGCAGTGGCTGGTGGACATGGTGTTGGGCATGCACTGGGGGCTGCTGCTGGAGGG[A>T]GAGGAACTGTGCTATGCCAGCTGGCAAAACTGGCACTGTTCCTATCAGGGGCCCGTTGGC-3'
Protein context (NP_001371246.1, residues 263-283): VLPAGIAQFL[Ser273Thr]LQQQPPVHAQ